The following is an entry in ClinVar:

NM_005422.4(TECTA):c.2900C>T (p.Ala967Val)

Genes: TBCEL-TECTA (TBCEL-TECTA readthrough; plus strand), TECTA (tectorin alpha; plus strand), LOC126861365 (P300/CBP strongly-dependent group 1 enhancer GRCh37_chr11:121000154-121001353; plus strand). Cytogenetic location: 11q23.3.
Variant type: single nucleotide variant.
Coding change: c.2900C>T on transcript NM_005422.4 (MANE Select); coding-DNA position 2900, C replaced by T.
Protein change: p.Ala967Val; replaces alanine 967 with valine.
Molecular consequence: missense variant.
Genome position (GRCh38, 1-based): chr11:121,130,170, C>T. VCF-style: chr11-121130170-C-T. GRCh37 (hg19) VCF-style: chr11-121000879-C-T.
Other names: c.3857C>T, p.Ala1286Val (NM_001378761.1); short protein forms A1286V, A967V.
Identifiers: ClinVar variation 2663030 (VCV002663030.4), dbSNP rs199688655, ClinGen allele CA6327091.
Genomic context (GRCh38, chr11:121,130,170, plus strand): 5'-GGGGCAATGAGTCAGAGCTCTGTGACTCTGTGGCCCGGTATGCAAGCGCCTGCAAGAATG[C>T]GGACGTGGAGGTGGGGCCCTGGCGGACCTATGACTTCTGCCGTAAGTTGGGGTTGGATTC-3'
Protein context (NP_005413.2, residues 957-977): VARYASACKN[Ala967Val]DVEVGPWRTY

ClinVar aggregate classification (germline): Uncertain significance. Review status: criteria provided, multiple submitters, no conflicts (2 of 4 stars). 2 submissions from 2 submitters: Uncertain significance (2). Last evaluated 2025-07-27.

Allele frequency attached by ClinVar (database versions not stated): ExAC 0.00003; TOPMed 0.00004; gnomAD 0.00005; ESP Exome Variant Server 0.00008.
gnomAD v4.1: 194 of 1,604,010 alleles (0.012%); highest among the groups gnomAD compares: Non-Finnish European, 0.015%; 1 homozygote.

Submissions (2):

Labcorp Genetics (formerly Invitae), Labcorp
Classification: Uncertain significance. Last evaluated: 2025-07-27. Review status: criteria provided, single submitter. Criteria: Invitae Variant Classification Sherloc (09022015). Collection method: clinical testing. Allele origin: germline.
Comment: This sequence change replaces alanine, which is neutral and non-polar, with valine, which is neutral and non-polar, at codon 967 of the TECTA protein (p.Ala967Val). This variant is present in population databases (rs199688655, gnomAD 0.009%). This variant has not been reported in the literature in individuals affected with TECTA-related conditions. ClinVar contains an entry for this variant (Variation ID: 2663030). Invitae Evidence Modeling of protein sequence and biophysical properties (such as structural, functional, and spatial information, amino acid conservation, physicochemical variation, residue mobility, and thermodynamic stability) indicates that this missense variant is not expected to disrupt TECTA protein function with a negative predictive value of 95%. In summary, the available evidence is currently insufficient to determine the role of this variant in disease. Therefore, it has been classified as a Variant of Uncertain Significance.

GeneDx
Classification: Uncertain significance. Last evaluated: 2023-04-20. Review status: criteria provided, single submitter. Criteria: GeneDx Variant Classification Process June 2021. Collection method: clinical testing. Allele origin: germline. Affected: yes.
Comment: In silico analysis supports that this missense variant has a deleterious effect on protein structure/function; Has not been previously published as pathogenic or benign to our knowledge; This variant is associated with the following publications: (PMID: 31554319, 9590290, 21520338)